The following is an entry in ClinVar:

NM_005842.4(SPRY2):c.410G>C (p.Gly137Ala)

Gene: SPRY2 (sprouty RTK signaling antagonist 2; minus strand). Cytogenetic location: 13q31.1.
Variant type: single nucleotide variant.
Coding change: c.410G>C on transcript NM_005842.4 (MANE Select); coding-DNA position 410, G replaced by C.
Protein change: p.Gly137Ala; replaces glycine 137 with alanine.
Molecular consequence: missense variant.
Genome position (GRCh38, 1-based): chr13:80,337,296, C>G on the plus strand (G>C on the coding strand, the complement: SPRY2 is on the minus strand). VCF-style: chr13-80337296-C-G. GRCh37 (hg19) VCF-style: chr13-80911431-C-G.
Other names: c.410G>C, p.Gly137Ala (NM_001318536.1, NM_001318537.1, NM_001318538.1); short protein forms G137A.
Identifiers: ClinVar variation 1028429 (VCV001028429.1), dbSNP rs747621224, ClinGen allele CA388459256.

ClinVar aggregate classification (germline): Uncertain significance (1 of 4 stars; one submission).

Conditions:
IgA nephropathy, susceptibility to, 3 (IGAN3). Identifiers: MedGen C4225194, MONDO:0014786, OMIM 616818.

Submission:

Baylor Genetics
Classification: Uncertain significance for IgA nephropathy, susceptibility to, 3. Last evaluated: 2019-10-25. Review status: criteria provided, single submitter. Criteria: ACMG Guidelines, 2015. Collection method: clinical testing. Allele origin: unknown. Affected: yes.
Comment: This variant was determined to be of uncertain significance according to ACMG Guidelines, 2015 [PMID:25741868].